The following is an entry in ClinVar:

NM_002887.4(RARS1):c.860A>G (p.Lys287Arg)

Gene: RARS1 (arginyl-tRNA synthetase 1; plus strand). Cytogenetic location: 5q34.
Variant type: single nucleotide variant.
Coding change: c.860A>G on transcript NM_002887.4 (MANE Select); coding-DNA position 860, A replaced by G.
Protein change: p.Lys287Arg; replaces lysine 287 with arginine.
Molecular consequence: missense variant.
Genome position (GRCh38, 1-based): chr5:168,500,628, A>G. VCF-style: chr5-168500628-A-G. GRCh37 (hg19) VCF-style: chr5-167927633-A-G.
Other names: short protein forms K287R.
Identifiers: ClinVar variation 1030602 (VCV001030602.1), dbSNP rs556591376, ClinGen allele CA362080708.

ClinVar aggregate classification (germline): Uncertain significance (1 of 4 stars; one submission).

Conditions:
Leukodystrophy, hypomyelinating, 9. Identifiers: Orphanet 438114, MedGen C4015323, MONDO:0014506, OMIM 616140.

Allele frequency attached by ClinVar (database versions not stated): TOPMed below 0.00001; gnomAD 0.00001; gnomAD exomes 0.00001.

Submission:

Baylor Genetics
Classification: Uncertain significance for Leukodystrophy, hypomyelinating, 9. Last evaluated: 2020-11-13. Review status: criteria provided, single submitter. Criteria: ACMG Guidelines, 2015. Collection method: clinical testing. Allele origin: unknown. Affected: yes.
Comment: This variant was determined to be of uncertain significance according to ACMG Guidelines, 2015 [PMID:25741868].